The following is an entry in ClinVar:

NM_000059.4(BRCA2):c.9177dup (p.Phe3060fs)

Gene: BRCA2 (BRCA2 DNA repair associated; plus strand). Cytogenetic location: 13q13.1.
Variant type: Duplication.
Coding change: c.9177dup on transcript NM_000059.4 (MANE Select); coding-DNA position 9177, one base duplicated (A; older notation c.9177dupA).
Protein change: p.Phe3060fs; shifts the reading frame from phenylalanine 3060.
Molecular consequence: frameshift variant.
Genome position (GRCh38, 1-based): chr13:32,380,066, A duplicated; the last of 3 consecutive A bases (chr13:32,380,064-32,380,066); duplicating any one gives the same sequence. VCF-style (leftmost placement, unchanged base first): chr13-32380063-C-CA. GRCh37 (hg19) VCF-style: chr13-32954200-C-CA.
Other names: short protein forms F3060fs.
Identifiers: ClinVar variation 959091 (VCV000959091.8), dbSNP rs80359751, ClinGen allele CA1139663166.

ClinVar aggregate classification (germline): Pathogenic (1 of 4 stars; one submission).

Conditions:
Hereditary breast ovarian cancer syndrome. Also called: Hereditary breast and ovarian cancer; BRCA1- and BRCA2-Associated Hereditary Breast and Ovarian Cancer; Hereditary breast and/or ovarian cancer syndrome; Hereditary breast and ovarian cancer syndrome; Hereditary breast and ovarian cancer syndrome (HBOC); Breast and ovarian cancer. Identifiers: Orphanet 145, MedGen C0677776, MeSH D061325, MONDO:0003582. Disease mechanism: loss of function.

Submission:

Labcorp Genetics (formerly Invitae), Labcorp
Classification: Pathogenic for Hereditary breast ovarian cancer syndrome. Last evaluated: 2019-10-30. Review status: criteria provided, single submitter. Criteria: Invitae Variant Classification Sherloc (09022015). Collection method: clinical testing. Allele origin: germline.
Comment: Loss-of-function variants in BRCA2 are known to be pathogenic (PMID: 20104584). This variant has not been reported in the literature in individuals with BRCA2-related conditions. This variant is not present in population databases (ExAC no frequency). This sequence change creates a premature translational stop signal (p.Phe3060Ilefs*12) in the BRCA2 gene. It is expected to result in an absent or disrupted protein product. For these reasons, this variant has been classified as Pathogenic.

Literature cited by the submitters: PubMed 20104584.